The following is an entry in ClinVar:

ClinVar aggregate classification (germline): Uncertain significance (0 of 4 stars; one submission).

Conditions:
PPP1R21-related disorder. Also called: PPP1R21-related condition.

gnomAD v4.1: 1 of 1,614,122 alleles (0.000062%); highest among the groups gnomAD compares: Non-Finnish European, 0.000085%; no homozygotes.

Submission:

PreventionGenetics, part of Exact Sciences
Classification: Uncertain significance for PPP1R21-related condition. Last evaluated: 2023-12-26. Review status: no assertion criteria provided. Collection method: clinical testing. Allele origin: germline.
Comment: The PPP1R21 c.223C>A variant is predicted to result in the amino acid substitution p.Leu75Ile. To our knowledge, this variant has not been reported in the literature. This variant is reported in 0.0054% of alleles in individuals of East Asian descent in gnomAD. At this time, the clinical significance of this variant is uncertain due to the absence of conclusive functional and genetic evidence.

NM_001135629.3(PPP1R21):c.223C>A (p.Leu75Ile)

Gene: PPP1R21 (protein phosphatase 1 regulatory subunit 21; plus strand). Cytogenetic location: 2p16.3.
Variant type: single nucleotide variant.
Coding change: c.223C>A on transcript NM_001135629.3 (MANE Select); coding-DNA position 223, C replaced by A.
Protein change: p.Leu75Ile; replaces leucine 75 with isoleucine.
Molecular consequence: missense variant. On other transcripts: non-coding transcript variant (1).
Genome position (GRCh38, 1-based): chr2:48,454,691, C>A. VCF-style: chr2-48454691-C-A. GRCh37 (hg19) VCF-style: chr2-48681830-C-A.
Other names: c.223C>A, p.Leu75Ile (NM_001193475.2, NM_152994.5); short protein forms L75I.
Identifiers: ClinVar variation 3029736 (VCV003029736.2), dbSNP rs770948633, ClinGen allele CA1650733.
Genomic context (GRCh38, chr2:48,454,691, plus strand): 5'-CTACAACAGGAAATGGACAGTTTGACATTTCGAAATCTGCAGCTTGCCAAGAGGGTAGAA[C>A]TACTTCAAGATGAACTAGCTCTAAGTGAACCACGAGGCAAGAAAAACAAGGTAGGTTCAA-3'
Protein context (NP_001129101.1, residues 65-85): RNLQLAKRVE[Leu75Ile]LQDELALSEP